The following is an entry in ClinVar:

ClinVar aggregate classification (germline): Pathogenic (1 of 4 stars; one submission).

Conditions:
Neurofibromatosis, type 1 (NF1). Also called: Neurofibromatosis, type I; Peripheral type neurofibromatosis; NEUROFIBROMATOSIS, TYPE I, SOMATIC; VON RECKLINGHAUSEN DISEASE. Identifiers: Orphanet 636, MedGen C0027831, MONDO:0018975, OMIM 162200. Disease mechanism: loss of function.

Submission:

Labcorp Genetics (formerly Invitae), Labcorp
Classification: Pathogenic for Neurofibromatosis, type 1. Last evaluated: 2022-06-12. Review status: criteria provided, single submitter. Criteria: Invitae Variant Classification Sherloc (09022015). Collection method: clinical testing. Allele origin: germline.
Comment: This sequence change creates a premature translational stop signal (p.Ala2177Cysfs*44) in the NF1 gene. It is expected to result in an absent or disrupted protein product. Loss-of-function variants in NF1 are known to be pathogenic (PMID: 10712197, 23913538). This variant is not present in population databases (gnomAD no frequency). For these reasons, this variant has been classified as Pathogenic. This variant has not been reported in the literature in individuals affected with NF1-related conditions.

Literature cited by the submitters: PubMed 10712197; PubMed 23913538.

NM_001042492.3(NF1):c.6591dup (p.Ala2198fs)

Gene: NF1 (neurofibromin 1; plus strand). Cytogenetic location: 17q11.2.
Variant type: Duplication.
Coding change: c.6591dup on transcript NM_001042492.3 (MANE Select); coding-DNA position 6591, one base duplicated (T; older notation c.6591dupT).
Protein change: p.Ala2198fs; shifts the reading frame from alanine 2198.
Molecular consequence: frameshift variant.
Genome position (GRCh38, 1-based): chr17:31,337,531, T duplicated; the last of 4 consecutive T bases (chr17:31,337,528-31,337,531); duplicating any one gives the same sequence. VCF-style (leftmost placement, unchanged base first): chr17-31337527-C-CT. GRCh37 (hg19) VCF-style: chr17-29664545-C-CT.
Other names: c.6528dup, p.Ala2177Cysfs (NM_000267.4); short protein forms A2177fs, A2198fs.
Identifiers: ClinVar variation 2005030 (VCV002005030.4), dbSNP rs2069707755, ClinGen allele CA2580093417.